The following is an entry in ClinVar:

ClinVar aggregate classification (germline): Conflicting classifications of pathogenicity. Review status: criteria provided, conflicting classifications (1 of 4 stars). 3 submissions from 3 submitters: Uncertain significance (1); Likely benign (2). Last evaluated 2025-12-23.

Conditions:
PIEZO1-related disorder. Also called: PIEZO1-related condition; PIEZO1-Related Disorders.
Inborn genetic diseases. Identifiers: MedGen C0950123, MeSH D030342.

Allele frequency attached by ClinVar (database versions not stated): gnomAD exomes 0.00020; ESP Exome Variant Server 0.00044; TOPMed 0.00046; 1000 Genomes Project 30x 0.00047; gnomAD 0.00050; 1000 Genomes Project 0.00060; ExAC 0.00168.
gnomAD v4.1: 347 of 1,542,866 alleles (0.022%); highest among the groups gnomAD compares: South Asian, 0.25%; 5 homozygotes.

Submissions (3):

Labcorp Genetics (formerly Invitae), Labcorp
Classification: Likely benign. Last evaluated: 2025-12-23. Review status: criteria provided, single submitter. Criteria: Invitae Variant Classification Sherloc (09022015). Collection method: clinical testing. Allele origin: germline.

PreventionGenetics, part of Exact Sciences
Classification: Likely benign for PIEZO1-related condition. Last evaluated: 2025-01-14. Review status: criteria provided, single submitter. Criteria: ACMG Guidelines, 2015. Collection method: clinical testing. Allele origin: germline.
Comment: This variant is classified as likely benign based on ACMG/AMP sequence variant interpretation guidelines (Richards et al. 2015 PMID: 25741868, with internal and published modifications).

Ambry Genetics
Classification: Uncertain significance for Inborn genetic diseases. Last evaluated: 2024-11-28. Review status: criteria provided, single submitter. Criteria: Ambry Variant Classification Scheme 2023. Collection method: clinical testing. Allele origin: germline.

NM_001142864.4(PIEZO1):c.4840G>A (p.Gly1614Ser)

Gene: PIEZO1 (piezo type mechanosensitive ion channel component 1 (Er blood group); minus strand). Cytogenetic location: 16q24.3.
Variant type: single nucleotide variant.
Coding change: c.4840G>A on transcript NM_001142864.4 (MANE Select); coding-DNA position 4840, G replaced by A.
Protein change: p.Gly1614Ser; replaces glycine 1614 with serine.
Molecular consequence: missense variant.
Genome position (GRCh38, 1-based): chr16:88,722,333, C>T on the plus strand (G>A on the coding strand, the complement: PIEZO1 is on the minus strand). VCF-style: chr16-88722333-C-T. GRCh37 (hg19) VCF-style: chr16-88788741-C-T.
Other names: c.4840G>A (NM_001142864.3, NM_001142864.2); c.3382G>A, p.Gly1128Ser (NM_014745.1); short protein forms G1614S, G1128S.
Identifiers: ClinVar variation 2752598 (VCV002752598.5), dbSNP rs61742006, ClinGen allele CA8232023.
Genomic context (GRCh38, chr16:88,722,333, plus strand): 5'-CAGCCTCACGCTCCCCGGGGTCGGTGACTGCCTCCTCACTGCCACTGCGCGTGTGGTAGC[C>T]GGTGCTCAGGGGGCTGCCCATGTCGTCTGTCATGCTGCTGAGTGGCTCCTCCGCGCCCAG-3'
Protein context (NP_001136336.2, residues 1604-1624): TDDMGSPLST[Gly1614Ser]YHTRSGSEEA